The following is an entry in ClinVar:

ClinVar aggregate classification (germline): Pathogenic (1 of 4 stars; one submission).

Conditions:
Ataxia-telangiectasia syndrome (AT). Also called: LOUIS-BAR SYNDROME; Ataxia-telangiectasia, complementation group D; AT, COMPLEMENTATION GROUP C; Cerebello-oculocutaneous telangiectasia; Immunodeficiency with ataxia telangiectasia; ATAXIA-TELANGIECTASIA, COMPLEMENTATION GROUP A. Identifiers: Orphanet 100, MedGen C0004135, MONDO:0008840, OMIM 208900.

Submission:

Labcorp Genetics (formerly Invitae), Labcorp
Classification: Pathogenic for Ataxia-telangiectasia syndrome. Last evaluated: 2020-08-25. Review status: criteria provided, single submitter. Criteria: Invitae Variant Classification Sherloc (09022015). Collection method: clinical testing. Allele origin: germline.
Comment: For these reasons, this variant has been classified as Pathogenic. Loss-of-function variants in ATM are known to be pathogenic (PMID: 23807571, 25614872). This variant has not been reported in the literature in individuals with ATM-related conditions. This variant is not present in population databases (ExAC no frequency). This sequence change creates a premature translational stop signal (p.Phe1036Leufs*11) in the ATM gene. It is expected to result in an absent or disrupted protein product.

Literature cited by the submitters: PubMed 23807571; PubMed 25614872.

NM_000051.4(ATM):c.3105_3106del (p.Phe1036fs)

Gene: ATM (ATM serine/threonine kinase; plus strand). Cytogenetic location: 11q22.3.
Variant type: Microsatellite.
Coding change: c.3105_3106del on transcript NM_000051.4 (MANE Select); coding-DNA positions 3105 to 3106, 2 bases deleted (AT; older notation c.3105_3106delAT).
Protein change: p.Phe1036fs; shifts the reading frame from phenylalanine 1036.
Molecular consequence: frameshift variant.
Genome position (GRCh38, 1-based): chr11:108,272,559-108,272,560, AT deleted; deleting any 2 consecutive bases within chr11:108,272,553-108,272,560 gives the same sequence; the c. name uses the placement nearest the transcript's 3' end. VCF-style (leftmost placement, unchanged base first): chr11-108272552-AAT-A. GRCh37 (hg19) VCF-style: chr11-108143279-AAT-A.
Other names: c.3105_3106del, p.Phe1036fs (NM_001351834.2); short protein forms F1036fs.
Identifiers: ClinVar variation 1069119 (VCV001069119.7), dbSNP rs2081640268, ClinGen allele CA2580616432.